The following is an entry in ClinVar:

ClinVar aggregate classification (germline): Uncertain significance (1 of 4 stars; one submission).

Submission:

Labcorp Genetics (formerly Invitae), Labcorp
Classification: Uncertain significance. Last evaluated: 2022-04-23. Review status: criteria provided, single submitter. Criteria: Invitae Variant Classification Sherloc (09022015). Collection method: clinical testing. Allele origin: germline.
Comment: This variant is not present in population databases (gnomAD no frequency). This sequence change replaces isoleucine, which is neutral and non-polar, with leucine, which is neutral and non-polar, at codon 256 of the SLC12A6 protein (p.Ile256Leu). This variant has not been reported in the literature in individuals affected with SLC12A6-related conditions. Algorithms developed to predict the effect of missense changes on protein structure and function are either unavailable or do not agree on the potential impact of this missense change (SIFT: "Deleterious"; PolyPhen-2: "Probably Damaging"; Align-GVGD: "Class C0"). In summary, the available evidence is currently insufficient to determine the role of this variant in disease. Therefore, it has been classified as a Variant of Uncertain Significance.

NM_001365088.1(SLC12A6):c.766A>C (p.Ile256Leu)

Gene: SLC12A6 (solute carrier family 12 member 6; minus strand). Cytogenetic location: 15q14.
Variant type: single nucleotide variant.
Coding change: c.766A>C on transcript NM_001365088.1 (MANE Select); coding-DNA position 766, A replaced by C.
Protein change: p.Ile256Leu; replaces isoleucine 256 with leucine.
Molecular consequence: missense variant.
Genome position (GRCh38, 1-based): chr15:34,255,372, T>G on the plus strand (A>C on the coding strand, the complement: SLC12A6 is on the minus strand). VCF-style: chr15-34255372-T-G. GRCh37 (hg19) VCF-style: chr15-34547573-T-G.
Other names: c.589A>C, p.Ile197Leu (NM_001042494.2, NM_001042495.2); c.739A>C, p.Ile247Leu (NM_001042496.2); c.721A>C, p.Ile241Leu (NM_001042497.2); c.613A>C, p.Ile205Leu (NM_005135.2); c.766A>C, p.Ile256Leu (NM_133647.2); short protein forms I247L, I241L, I197L, I205L, I256L.
Identifiers: ClinVar variation 2129619 (VCV002129619.4), dbSNP rs2509821641, ClinGen allele CA391610584.